The following is an entry in ClinVar:

ClinVar aggregate classification (germline): Uncertain significance (1 of 4 stars; one submission).

Conditions:
Hereditary cancer-predisposing syndrome. Also called: Hereditary Cancer Syndrome; Hereditary neoplastic syndrome; Neoplastic Syndromes, Hereditary; Tumor predisposition. Identifiers: Orphanet 140162, MedGen C0027672, MeSH D009386, MONDO:0015356.

Submission:

Ambry Genetics
Classification: Uncertain significance for Hereditary cancer-predisposing syndrome. Last evaluated: 2024-04-08. Review status: criteria provided, single submitter. Criteria: Ambry Variant Classification Scheme 2023. Collection method: clinical testing. Allele origin: germline.
Comment: The p.K52E variant (also known as c.154A>G), located in coding exon 1 of the ALK gene, results from an A to G substitution at nucleotide position 154. The lysine at codon 52 is replaced by glutamic acid, an amino acid with similar properties. This amino acid position is conserved. In addition, the in silico prediction for this alteration is inconclusive. Since supporting evidence is limited at this time, the clinical significance of this alteration remains unclear.

NM_004304.5(ALK):c.154A>G (p.Lys52Glu)

Gene: ALK (ALK receptor tyrosine kinase; minus strand). Cytogenetic location: 2p23.1.
Variant type: single nucleotide variant.
Coding change: c.154A>G on transcript NM_004304.5 (MANE Select); coding-DNA position 154, A replaced by G.
Protein change: p.Lys52Glu; replaces lysine 52 with glutamic acid.
Molecular consequence: missense variant.
Genome position (GRCh38, 1-based): chr2:29,920,506, T>C on the plus strand (A>G on the coding strand, the complement: ALK is on the minus strand). VCF-style: chr2-29920506-T-C. GRCh37 (hg19) VCF-style: chr2-30143372-T-C.
Other names: short protein forms K52E.
Identifiers: ClinVar variation 1775007 (VCV001775007.3), dbSNP rs2148443785, ClinGen allele CA346590593.